The following is an entry in ClinVar:

NM_001384140.1(PCDH15):c.4671+1538A>T

Gene: PCDH15 (protocadherin related 15; minus strand). Cytogenetic location: 10q21.1.
Variant type: single nucleotide variant.
Coding change: c.4671+1538A>T on transcript NM_001384140.1 (MANE Select); 1538 bases into the intron after coding-DNA position 4671, A replaced by T.
Molecular consequence: intron variant. On other transcripts: nonsense (2), 3 prime UTR variant (1).
Genome position (GRCh38, 1-based): chr10:53,809,018, T>A on the plus strand (A>T on the coding strand, the complement: PCDH15 is on the minus strand). VCF-style: chr10-53809018-T-A. GRCh37 (hg19) VCF-style: chr10-55568778-T-A.
Other names: c.5047A>T, p.Lys1683Ter (NM_001142769.4); c.*462A>T (NM_001142770.3); c.5026A>T, p.Lys1676Ter (NM_001354411.2); c.4476+1538A>T (NM_001354420.2); c.4605+1538A>T (NM_001354429.2); c.4482+1538A>T (NM_001142772.2); c.4497+1538A>T (NM_001142771.2); short protein forms K1676*, K1683*.
Identifiers: ClinVar variation 4685461 (VCV004685461.1).

ClinVar aggregate classification (germline): Likely pathogenic (1 of 4 stars; one submission).

Conditions:
Usher syndrome type 1D (USH1D). Also called: USHER SYNDROME, TYPE ID. Identifiers: Orphanet 231169, Orphanet 886, MedGen C1832845, MONDO:0010984, OMIM 601067.

Submission:

Laboratory of Prof. Karen Avraham, Tel Aviv University
Classification: Likely pathogenic for Usher syndrome type 1D. Last evaluated: 2026-01-12. Review status: criteria provided, single submitter. Criteria: ACMG Guidelines, 2015. Collection method: research. Allele origin: germline. Inheritance: Autosomal recessive inheritance. Affected: yes. Observed: 1 compound heterozygote.